The following is an entry in ClinVar:

ClinVar aggregate classification (germline): Pathogenic/Likely pathogenic. Review status: criteria provided, multiple submitters, no conflicts (2 of 4 stars). 2 submissions from 2 submitters: Pathogenic (1); Likely pathogenic (1). Last evaluated 2025-01-21.

Conditions:
Duchenne muscular dystrophy (DMD). Also called: MUSCULAR DYSTROPHY, PSEUDOHYPERTROPHIC PROGRESSIVE, DUCHENNE TYPE; Duchenne Muscular Dystrophy (DMD). Identifiers: Orphanet 98896, MedGen C0013264, MONDO:0010679, OMIM 310200.
Becker muscular dystrophy, Cardiomyopathy, Duchenne muscular dystrophy, Dystrophin deficiency.

Submissions (2):

Natera, Inc.
Classification: Likely pathogenic for Becker muscular dystrophy, Cardiomyopathy, Duchenne muscular dystrophy, Dystrophin deficiency. Last evaluated: 2025-01-21. Review status: criteria provided, single submitter. Criteria: Natera Variant Classification Schema (03/2026). Collection method: clinical testing. Allele origin: germline.
Comment: The c.1591G>T variant in DMD is a nonsense variant predicted to introduce a stop codon at amino acid 531. This variant is expected to result in nonsense mediated decay, truncation, or a dysfunctional protein product. This variant is rare in the general population with a frequency below the threshold expected for the associated phenotype(s). Given the available evidence, this variant is classified as Likely Pathogenic.

Labcorp Genetics (formerly Invitae), Labcorp
Classification: Pathogenic for Duchenne muscular dystrophy. Last evaluated: 2021-12-18. Review status: criteria provided, single submitter. Criteria: Invitae Variant Classification Sherloc (09022015). Collection method: clinical testing. Allele origin: germline.
Comment: For these reasons, this variant has been classified as Pathogenic. This variant has not been reported in the literature in individuals affected with DMD-related conditions. This variant is not present in population databases (gnomAD no frequency). This sequence change creates a premature translational stop signal (p.Glu531*) in the DMD gene. It is expected to result in an absent or disrupted protein product. Loss-of-function variants in DMD are known to be pathogenic (PMID: 16770791, 25007885).

Literature cited by the submitters: PubMed 16770791 (cited by Labcorp Genetics (formerly Invitae), Labcorp); PubMed 25007885 (cited by Labcorp Genetics (formerly Invitae), Labcorp).

NM_004006.3(DMD):c.1591G>T (p.Glu531Ter)

Gene: DMD (dystrophin; minus strand). Cytogenetic location: Xp21.1.
Variant type: single nucleotide variant.
Coding change: c.1591G>T on transcript NM_004006.3 (MANE Select); coding-DNA position 1591, G replaced by T.
Protein change: p.Glu531Ter; replaces glutamic acid 531 with a stop codon.
Molecular consequence: nonsense.
Genome position (GRCh38, 1-based): chrX:32,595,768, C>A on the plus strand (G>T on the coding strand, the complement: DMD is on the minus strand). VCF-style: chrX-32595768-C-A. GRCh37 (hg19) VCF-style: chrX-32613885-C-A.
Other names: c.1567G>T, p.Glu523Ter (NM_000109.4); c.1579G>T, p.Glu527Ter (NM_004009.3); c.1222G>T, p.Glu408Ter (NM_004010.3); c.1591G>T (NM_004006.2); short protein forms E408*, E527*, E531*, E523*.
Identifiers: ClinVar variation 1394335 (VCV001394335.8), dbSNP rs2149264484, ClinGen allele CA412665295.